The following is an entry in ClinVar:

NM_001384140.1(PCDH15):c.3656A>G (p.Lys1219Arg)

Gene: PCDH15 (protocadherin related 15; minus strand). Cytogenetic location: 10q21.1.
Variant type: single nucleotide variant.
Coding change: c.3656A>G on transcript NM_001384140.1 (MANE Select); coding-DNA position 3656, A replaced by G.
Protein change: p.Lys1219Arg; replaces lysine 1219 with arginine.
Molecular consequence: missense variant.
Genome position (GRCh38, 1-based): chr10:53,866,703, T>C on the plus strand (A>G on the coding strand, the complement: PCDH15 is on the minus strand). VCF-style: chr10-53866703-T-C. GRCh37 (hg19) VCF-style: chr10-55626463-T-C.
Other names: c.3671A>G, p.Lys1224Arg (NM_001142763.2, NM_001142771.2); c.3656A>G, p.Lys1219Arg (NM_001142764.2, NM_001142766.2, NM_001142770.3 and 4 more transcripts); c.3443A>G, p.Lys1148Arg (NM_001142765.2); c.3545A>G, p.Lys1182Arg (NM_001142767.2); c.3590A>G, p.Lys1197Arg (NM_001142768.2, NM_001142773.2, NM_001354404.2); c.3692A>G, p.Lys1231Arg (NM_001142769.4); c.3677A>G, p.Lys1226Arg (NM_001354411.2); short protein forms K1148R, K1182R, K1197R, K1219R, K1224R, K1226R, K1231R.
Identifiers: ClinVar variation 1191114 (VCV001191114.7), dbSNP rs763978654, ClinGen allele CA5505601.

ClinVar aggregate classification (germline): Uncertain significance. Review status: criteria provided, multiple submitters, no conflicts (2 of 4 stars). 5 submissions from 5 submitters: Uncertain significance (4). 1 of the submissions does not count toward it. Last evaluated 2024-07-17.

Conditions:
Inborn genetic diseases. Identifiers: MedGen C0950123, MeSH D030342.
Usher syndrome type 1F (USH1F). Also called: USHER SYNDROME, TYPE IF. Identifiers: Orphanet 231169, Orphanet 886, MedGen C1865885, MONDO:0011186, OMIM 602083.

Allele frequency attached by ClinVar (database versions not stated): gnomAD 0.00001; gnomAD exomes 0.00003 and 0.00006; TOPMed 0.00003; ExAC 0.00006.
gnomAD v4.1: 19 of 1,613,522 alleles (0.0012%); highest among the groups gnomAD compares: Admixed American, 0.03%; no homozygotes.

Submissions (5):

Ambry Genetics
Classification: Uncertain significance for Inborn genetic diseases. Last evaluated: 2024-07-17. Review status: criteria provided, single submitter. Criteria: Ambry Variant Classification Scheme 2023. Collection method: clinical testing. Allele origin: germline.

Blueprint Genetics
Classification: Uncertain significance. Last evaluated: 2023-02-02. Review status: criteria provided, single submitter. Criteria: ACMG Guidelines, 2015. Collection method: clinical testing. Allele origin: germline.

Labcorp Genetics (formerly Invitae), Labcorp
Classification: Uncertain significance. Last evaluated: 2022-09-06. Review status: criteria provided, single submitter. Criteria: Invitae Variant Classification Sherloc (09022015). Collection method: clinical testing. Allele origin: germline.
Comment: This sequence change replaces lysine, which is basic and polar, with arginine, which is basic and polar, at codon 1219 of the PCDH15 protein (p.Lys1219Arg). This variant is present in population databases (rs763978654, gnomAD 0.05%). This variant has not been reported in the literature in individuals affected with PCDH15-related conditions. ClinVar contains an entry for this variant (Variation ID: 1191114). Algorithms developed to predict the effect of missense changes on protein structure and function are either unavailable or do not agree on the potential impact of this missense change (SIFT: "Tolerated"; PolyPhen-2: "Probably Damaging"; Align-GVGD: "Class C0"). Algorithms developed to predict the effect of sequence changes on RNA splicing suggest that this variant may create or strengthen a splice site. In summary, the available evidence is currently insufficient to determine the role of this variant in disease. Therefore, it has been classified as a Variant of Uncertain Significance.

GeneDx
Classification: Uncertain significance. Last evaluated: 2020-09-24. Review status: criteria provided, single submitter. Criteria: GeneDx Variant Classification Process June 2021. Collection method: clinical testing. Allele origin: germline. Affected: yes.
Comment: In silico analysis supports that this missense variant does not alter protein structure/function; Has not been previously published as pathogenic or benign to our knowledge

Natera, Inc.
Classification: Uncertain significance for Usher syndrome type 1F. Last evaluated: 2020-03-17. Review status: no assertion criteria provided. Collection method: clinical testing. Allele origin: germline. Not counted in ClinVar's aggregate classification.